The following is an entry in ClinVar:

NM_004629.2(FANCG):c.616G>A (p.Val206Ile)

Gene: FANCG (FA complementation group G; minus strand). Cytogenetic location: 9p13.3.
Variant type: single nucleotide variant.
Coding change: c.616G>A on transcript NM_004629.2 (MANE Select); coding-DNA position 616, G replaced by A.
Protein change: p.Val206Ile; replaces valine 206 with isoleucine.
Molecular consequence: missense variant.
Genome position (GRCh38, 1-based): chr9:35,077,294, C>T on the plus strand (G>A on the coding strand, the complement: FANCG is on the minus strand). VCF-style: chr9-35077294-C-T. GRCh37 (hg19) VCF-style: chr9-35077291-C-T.
Other names: short protein forms V206I.
Identifiers: ClinVar variation 1692840 (VCV001692840.2), dbSNP rs768648609, ClinGen allele CA5039999.

ClinVar aggregate classification (germline): Uncertain significance. Review status: criteria provided, multiple submitters, no conflicts (2 of 4 stars). 2 submissions from 2 submitters: Uncertain significance (2). Last evaluated 2025-10-19.

Conditions:
Inborn genetic diseases. Identifiers: MedGen C0950123, MeSH D030342.
Fanconi anemia (FA). Also called: Fanconi's anemia. Identifiers: Orphanet 84, MedGen C0015625, MeSH D005199, MONDO:0019391.

Allele frequency attached by ClinVar (database versions not stated): gnomAD exomes below 0.00001; ExAC 0.00001.

Submissions (2):

Ambry Genetics
Classification: Uncertain significance for Inborn genetic diseases. Last evaluated: 2025-10-19. Review status: criteria provided, single submitter. Criteria: Ambry Variant Classification Scheme 2023. Collection method: clinical testing. Allele origin: germline.
Comment: The p.V206I variant (also known as c.616G>A), located in coding exon 5 of the FANCG gene, results from a G to A substitution at nucleotide position 616. The valine at codon 206 is replaced by isoleucine, an amino acid with highly similar properties. This amino acid position is conserved. In addition, this alteration is predicted to be tolerated by in silico analysis. Based on the available evidence, the clinical significance of this variant remains unclear.

Sema4
Classification: Uncertain significance for Fanconi anemia. Last evaluated: 2021-12-23. Review status: criteria provided, single submitter. Criteria: Sema4 Curation Guidelines. Collection method: curation. Allele origin: germline.
Comment: The FANCG c.616G>A (p.V206I ) variant has not been reported in literature to our knowledge. It was observed in 1/30616 chromosomes in the South Asian subpopulation according to the Genome Aggregation Database (PMID: 32461654). This variant has not been reported in ClinVar. In silico tools suggest the impact of the variant on protein function is benign, though these predictions have not been confirmed by functional studies. The evidence is insufficient to meet ACMG/AMP criteria for classifying the variant as benign or pathogenic. Thus, the clinical significance of this variant is currently uncertain.